The following is an entry in ClinVar:

NM_000051.4(ATM):c.5790T>G (p.Asp1930Glu)

Genes: ATM (ATM serine/threonine kinase; plus strand), C11orf65 (chromosome 11 open reading frame 65; minus strand). Cytogenetic location: 11q22.3.
Variant type: single nucleotide variant.
Coding change: c.5790T>G on transcript NM_000051.4 (MANE Select); coding-DNA position 5790, T replaced by G.
Protein change: p.Asp1930Glu; replaces aspartic acid 1930 with glutamic acid.
Molecular consequence: missense variant. On other transcripts: intron variant (2).
Genome position (GRCh38, 1-based): chr11:108,310,187, T>G. VCF-style: chr11-108310187-T-G. GRCh37 (hg19) VCF-style: chr11-108180914-T-G.
Other names: c.5790T>G, p.Asp1930Glu (NM_001351834.2); c.641-1116A>C (NM_001330368.2); c.*39-1116A>C (NM_001351110.2); short protein forms D1930E.
Identifiers: ClinVar variation 1749666 (VCV001749666.3), dbSNP rs1555110279, ClinGen allele CA382548329.
Genomic context (GRCh38, chr11:108,310,187, plus strand): 5'-AAGTGAATGACATTATATCTCATTTTTCTTTAGACCTTCTTCAGGAACAATTTTTAATGA[T>G]GCTTTCTGGCTGGATTTAAATTATCTAGAAGTTGCCAAGGTAGCTCAGTCTTGTGCTGCT-3'
Protein context (NP_000042.3, residues 1920-1940): KRPSSGTIFN[Asp1930Glu]AFWLDLNYLE

ClinVar aggregate classification (germline): Uncertain significance (1 of 4 stars; one submission).

Conditions:
Hereditary cancer-predisposing syndrome. Also called: Hereditary neoplastic syndrome; Neoplastic Syndromes, Hereditary; Tumor predisposition; Hereditary Cancer Syndrome. Identifiers: Orphanet 140162, MedGen C0027672, MeSH D009386, MONDO:0015356.

Submission:

Ambry Genetics
Classification: Uncertain significance for Hereditary cancer-predisposing syndrome. Last evaluated: 2024-09-18. Review status: criteria provided, single submitter. Criteria: Ambry Variant Classification Scheme 2023. Collection method: clinical testing. Allele origin: germline.
Comment: The p.D1930E variant (also known as c.5790T>G), located in coding exon 38 of the ATM gene, results from a T to G substitution at nucleotide position 5790. The aspartic acid at codon 1930 is replaced by glutamic acid, an amino acid with highly similar properties. This amino acid position is well conserved in available vertebrate species. In addition, this alteration is predicted to be tolerated by in silico analysis. Based on the available evidence, the clinical significance of this variant remains unclear.